The following is an entry in ClinVar:

ClinVar aggregate classification (germline): Likely benign. Review status: criteria provided, single submitter (1 of 4 stars). 2 submissions from 2 submitters: Likely benign (1). 1 of the submissions does not count toward it. Last evaluated 2025-12-30.

Conditions:
CNOT3-related disorder. Also called: CNOT3-related condition.

Allele frequency attached by ClinVar (database versions not stated): gnomAD 0.00003; ExAC 0.00018; TOPMed 0.00006.
gnomAD v4.1: 63 of 1,562,426 alleles (0.004%); highest among the groups gnomAD compares: Admixed American, 0.11%; no homozygotes.

Submissions (2):

Labcorp Genetics (formerly Invitae), Labcorp
Classification: Likely benign. Last evaluated: 2025-12-30. Review status: criteria provided, single submitter. Criteria: Invitae Variant Classification Sherloc (09022015). Collection method: clinical testing. Allele origin: germline.

PreventionGenetics, part of Exact Sciences
Classification: Likely benign for CNOT3-related condition. Last evaluated: 2023-05-26. Review status: no assertion criteria provided. Collection method: clinical testing. Allele origin: germline. Not counted in ClinVar's aggregate classification.
Comment: This variant is classified as likely benign based on ACMG/AMP sequence variant interpretation guidelines (Richards et al. 2015 PMID: 25741868, with internal and published modifications).

NM_014516.4(CNOT3):c.1154C>T (p.Thr385Met)

Gene: CNOT3 (CCR4-NOT transcription complex subunit 3; plus strand). Cytogenetic location: 19q13.42.
Variant type: single nucleotide variant.
Coding change: c.1154C>T on transcript NM_014516.4 (MANE Select); coding-DNA position 1154, C replaced by T.
Protein change: p.Thr385Met; replaces threonine 385 with methionine.
Molecular consequence: missense variant.
Genome position (GRCh38, 1-based): chr19:54,148,407, C>T. VCF-style: chr19-54148407-C-T. GRCh37 (hg19) VCF-style: chr19-54652142-C-T.
Other names: short protein forms T385M.
Identifiers: ClinVar variation 3047066 (VCV003047066.4), dbSNP rs746475797, ClinGen allele CA309339602.